The following is an entry in ClinVar:

NM_172107.4(KCNQ2):c.2003C>T (p.Pro668Leu)

Gene: KCNQ2 (potassium voltage-gated channel subfamily Q member 2; minus strand). Cytogenetic location: 20q13.33.
Variant type: single nucleotide variant.
Coding change: c.2003C>T on transcript NM_172107.4 (MANE Select); coding-DNA position 2003, C replaced by T.
Protein change: p.Pro668Leu; replaces proline 668 with leucine.
Molecular consequence: missense variant.
Genome position (GRCh38, 1-based): chr20:63,407,260, G>A on the plus strand (C>T on the coding strand, the complement: KCNQ2 is on the minus strand). VCF-style: chr20-63407260-G-A. GRCh37 (hg19) VCF-style: chr20-62038613-G-A.
Other names: c.2057C>T, p.Pro686Leu (NM_001382235.1); c.1946C>T, p.Pro649Leu (NM_001439003.1); c.1916C>T, p.Pro639Leu (NM_001439004.1); c.1919C>T, p.Pro640Leu (NM_004518.6); c.1949C>T, p.Pro650Leu (NM_172106.3); c.1910C>T, p.Pro637Leu (NM_172108.5); c.2003C>T (NM_172107.2); short protein forms P650L, P686L, P639L, P637L, P649L, P640L, P668L.
Identifiers: ClinVar variation 4751335 (VCV004751335.2).

ClinVar aggregate classification (germline): Uncertain significance. Review status: criteria provided, multiple submitters, no conflicts (2 of 4 stars). 2 submissions from 2 submitters: Uncertain significance (2). Last evaluated 2026-05-26.

Conditions:
Inborn genetic diseases. Identifiers: MedGen C0950123, MeSH D030342.
Early-infantile DEE. Also called: Early infantile epileptic encephalopathy with suppression bursts; Early infantile epileptic encephalopathy; Ohtahara syndrome. Identifiers: Orphanet 1934, MedGen C0393706, MONDO:0800491.

gnomAD v4.1: 6 of 1,598,420 alleles (0.00038%); highest among the groups gnomAD compares: East Asian, 0.0022%; no homozygotes.

Submissions (2):

Ambry Genetics
Classification: Uncertain significance for Inborn genetic diseases. Last evaluated: 2026-05-26. Review status: criteria provided, single submitter. Criteria: Ambry Variant Classification Scheme 2023. Collection method: clinical testing. Allele origin: germline.
Comment: The c.2003C>T (p.P668L) alteration is located in exon 17 (coding exon 17) of the KCNQ2 gene. This alteration results from a C to T substitution at nucleotide position 2003, causing the proline (P) at amino acid position 668 to be replaced by a leucine (L). Based on data from gnomAD, the T allele has an overall frequency of 0.002% (4/234118) total alleles studied. The highest observed frequency was 0.007% (2/30480) of South Asian alleles. Based on insufficient or conflicting evidence, the clinical significance of this alteration remains unclear.

Labcorp Genetics (formerly Invitae), Labcorp
Classification: Uncertain significance for Early-infantile DEE. Last evaluated: 2025-02-09. Review status: criteria provided, single submitter. Criteria: Invitae Variant Classification Sherloc (09022015). Collection method: clinical testing. Allele origin: germline.
Comment: This sequence change replaces proline, which is neutral and non-polar, with leucine, which is neutral and non-polar, at codon 668 of the KCNQ2 protein (p.Pro668Leu). This variant is present in population databases (no rsID available, gnomAD 0.007%). This variant has not been reported in the literature in individuals affected with KCNQ2-related conditions. Invitae Evidence Modeling of protein sequence and biophysical properties (such as structural, functional, and spatial information, amino acid conservation, physicochemical variation, residue mobility, and thermodynamic stability) indicates that this missense variant is expected to disrupt KCNQ2 protein function with a positive predictive value of 95%. In summary, the available evidence is currently insufficient to determine the role of this variant in disease. Therefore, it has been classified as a Variant of Uncertain Significance.